The following is an entry in ClinVar:

NM_032634.4(PIGO):c.2891G>A (p.Cys964Tyr)

Gene: PIGO (phosphatidylinositol glycan anchor biosynthesis class O; minus strand). Cytogenetic location: 9p13.3.
Variant type: single nucleotide variant.
Coding change: c.2891G>A on transcript NM_032634.4 (MANE Select); coding-DNA position 2891, G replaced by A.
Protein change: p.Cys964Tyr; replaces cysteine 964 with tyrosine.
Molecular consequence: missense variant.
Genome position (GRCh38, 1-based): chr9:35,090,244, C>T on the plus strand (G>A on the coding strand, the complement: PIGO is on the minus strand). VCF-style: chr9-35090244-C-T. GRCh37 (hg19) VCF-style: chr9-35090241-C-T.
Other names: c.1640G>A, p.Cys547Tyr (NM_001201484.2, NM_152850.4); short protein forms C964Y, C547Y.
Identifiers: ClinVar variation 570879 (VCV000570879.9), dbSNP rs148648652, ClinGen allele CA5040302.
Genomic context (GRCh38, chr9:35,090,244, plus strand): 5'-ACTCTGGCATCAGCTTCATTCCCTGGGGGCTGCTGTCTCTTCCGCAGCCCTTGACTCTCA[C>T]ACAGGAAAGGCCAGAGCAGGAGCAGTGGGCAACCTACTGCCTCAAGAGAGGGTATGGCTG-3'
Protein context (NP_116023.2, residues 954-974): CPLLLLWPFL[Cys964Tyr]ESQGLRKRQQ

ClinVar aggregate classification (germline): Uncertain significance (1 of 4 stars; one submission).

Conditions:
Hyperphosphatasia with impaired intellectual development syndrome 2. Also called: Hyperphosphatasia with intellectual disability syndrome 2; GLYCOSYLPHOSPHATIDYLINOSITOL BIOSYNTHESIS DEFECT 6. Identifiers: Orphanet 247262, MedGen C3553637, MONDO:0013882, OMIM 614749.

Allele frequency attached by ClinVar (database versions not stated): gnomAD exomes 0.00001; gnomAD 0.00001; ESP Exome Variant Server 0.00008; ExAC 0.00003; TOPMed 0.00001.
gnomAD v4.1: 5 of 1,614,060 alleles (0.00031%); highest among the groups gnomAD compares: African/African-American, 0.0067%; no homozygotes.

Submission:

Labcorp Genetics (formerly Invitae), Labcorp
Classification: Uncertain significance for Hyperphosphatasia with impaired intellectual development syndrome 2. Last evaluated: 2025-04-07. Review status: criteria provided, single submitter. Criteria: Invitae Variant Classification Sherloc (09022015). Collection method: clinical testing. Allele origin: germline.
Comment: This sequence change replaces cysteine, which is neutral and slightly polar, with tyrosine, which is neutral and polar, at codon 964 of the PIGO protein (p.Cys964Tyr). This variant is present in population databases (rs148648652, gnomAD 0.02%). This variant has not been reported in the literature in individuals affected with PIGO-related conditions. ClinVar contains an entry for this variant (Variation ID: 570879). Invitae Evidence Modeling of protein sequence and biophysical properties (such as structural, functional, and spatial information, amino acid conservation, physicochemical variation, residue mobility, and thermodynamic stability) indicates that this missense variant is not expected to disrupt PIGO protein function with a negative predictive value of 80%. In summary, the available evidence is currently insufficient to determine the role of this variant in disease. Therefore, it has been classified as a Variant of Uncertain Significance.